The following is an entry in ClinVar:

NM_007227.3(GPR45):c.504G>A (p.Thr168=)

Gene: GPR45 (G protein-coupled receptor 45; plus strand). Cytogenetic location: 2q12.1.
Variant type: single nucleotide variant.
Coding change: c.504G>A on transcript NM_007227.3 (MANE Select); coding-DNA position 504, G replaced by A.
Protein change: p.Thr168=; no amino-acid change (threonine 168 retained).
Molecular consequence: synonymous variant.
Genome position (GRCh38, 1-based): chr2:105,242,362, G>A. VCF-style: chr2-105242362-G-A. GRCh37 (hg19) VCF-style: chr2-105858819-G-A.
Identifiers: ClinVar variation 2795416 (VCV002795416.3), dbSNP rs56355385, ClinGen allele CA1813599.

ClinVar aggregate classification (germline): Uncertain significance (1 of 4 stars; one submission).

Submission:

Labcorp Genetics (formerly Invitae), Labcorp
Classification: Uncertain significance. Last evaluated: 2025-03-25. Review status: criteria provided, single submitter. Criteria: Invitae Variant Classification Sherloc (09022015). Collection method: clinical testing. Allele origin: germline.
Comment: This sequence change affects codon 168 of the GPR45 mRNA. It is a 'silent' change, meaning that it does not change the encoded amino acid sequence of the GPR45 protein. This variant is present in population databases (rs56355385, gnomAD 0.005%). This variant has not been reported in the literature in individuals affected with GPR45-related conditions. ClinVar contains an entry for this variant (Variation ID: 2795416). In summary, the available evidence is currently insufficient to determine the role of this variant in disease. Therefore, it has been classified as a Variant of Uncertain Significance.